The following is an entry in ClinVar:

ClinVar aggregate classification (germline): Uncertain significance (1 of 4 stars; one submission).

Submission:

GeneDx
Classification: Uncertain significance. Last evaluated: 2025-01-21. Review status: criteria provided, single submitter. Criteria: GeneDx Variant Classification Process June 2021. Collection method: clinical testing. Allele origin: germline. Affected: yes.
Comment: Not observed at significant frequency in large population cohorts (gnomAD); In silico analysis indicates that this missense variant does not alter protein structure/function; Has not been previously published as pathogenic or benign to our knowledge

NM_005909.5(MAP1B):c.4897A>G (p.Thr1633Ala)

Gene: MAP1B (microtubule associated protein 1B; plus strand). Cytogenetic location: 5q13.2.
Variant type: single nucleotide variant.
Coding change: c.4897A>G on transcript NM_005909.5 (MANE Select); coding-DNA position 4897, A replaced by G.
Protein change: p.Thr1633Ala; replaces threonine 1633 with alanine.
Molecular consequence: missense variant.
Genome position (GRCh38, 1-based): chr5:72,198,252, A>G. VCF-style: chr5-72198252-A-G. GRCh37 (hg19) VCF-style: chr5-71494079-A-G.
Other names: c.4519A>G, p.Thr1507Ala (NM_001324255.2); short protein forms T1507A, T1633A.
Identifiers: ClinVar variation 4070855 (VCV004070855.1).